The following is an entry in ClinVar:

NM_014516.4(CNOT3):c.1189G>C (p.Gly397Arg)

Gene: CNOT3 (CCR4-NOT transcription complex subunit 3; plus strand). Cytogenetic location: 19q13.42.
Variant type: single nucleotide variant.
Coding change: c.1189G>C on transcript NM_014516.4 (MANE Select); coding-DNA position 1189, G replaced by C.
Protein change: p.Gly397Arg; replaces glycine 397 with arginine.
Molecular consequence: missense variant. On other transcripts: non-coding transcript variant (2).
Genome position (GRCh38, 1-based): chr19:54,148,442, G>C. VCF-style: chr19-54148442-G-C. GRCh37 (hg19) VCF-style: chr19-54652177-G-C.
Other names: c.1192G>C, p.Gly398Arg (NM_001440653.1, NM_001440655.1, NM_001440657.1 and 3 more transcripts); c.1189G>C, p.Gly397Arg (NM_001440654.1, NM_001440656.1, NM_001440658.1 and 1 more transcripts); c.646G>C, p.Gly216Arg (NM_001440659.1, NM_001440660.1); short protein forms G216R, G397R, G398R.
Identifiers: ClinVar variation 4883655 (VCV004883655.2).

ClinVar aggregate classification (germline): Uncertain significance (1 of 4 stars; one submission).

Conditions:
Intellectual developmental disorder with speech delay, autism, and dysmorphic facies. Identifiers: MedGen C5231456, MONDO:0032864, OMIM 618672.

Submission:

Dasa
Classification: Uncertain significance for Intellectual developmental disorder with speech delay, autism, and dysmorphic facies. Last evaluated: 2025-10-02. Review status: criteria provided, single submitter. Criteria: DASA Assertion Criteria. Collection method: clinical testing. Allele origin: germline.
Comment: NM_014516.4(CNOT3):c.1189G>C (p.Gly397Arg) is a missense variant that results in the substitution of glycine with arginine. This variant is rare in population databases. Computational prediction algorithms are consistent with a benign effect. The currently available literature and clinical evidence are not sufficient to establish a definitive association between this variant and the reported condition. Therefore, this variant is classified as a variant of uncertain significance.